The following is an entry in ClinVar:

NM_001349206.2(LPIN1):c.1714-137G>A

Gene: LPIN1 (lipin 1; plus strand). Cytogenetic location: 2p25.1.
Variant type: single nucleotide variant.
Coding change: c.1714-137G>A on transcript NM_001349206.2 (MANE Select); 137 bases into the intron before coding-DNA position 1714, G replaced by A.
Molecular consequence: intron variant. On other transcripts: missense variant (2).
Genome position (GRCh38, 1-based): chr2:11,791,777, G>A. VCF-style: chr2-11791777-G-A. GRCh37 (hg19) VCF-style: chr2-11931903-G-A.
Other names: c.1675G>A, p.Ala559Thr (NM_001349200.2, NM_001349201.2); c.1861-137G>A (NM_001261428.3); c.1753-137G>A (NM_001349208.2); c.1804-137G>A (NM_001349207.2); c.1624-137G>A (NM_001261427.3); c.1714-137G>A (NM_001349204.2, NM_001349205.2); c.1711-137G>A (NM_001349202.2, NM_001349203.2); c.1606-137G>A (NM_001349199.2, NM_145693.4); short protein forms A559T.
Identifiers: ClinVar variation 3038616 (VCV003038616.2), dbSNP rs538188237, ClinGen allele CA1533820.

ClinVar aggregate classification (germline): Likely benign (0 of 4 stars; one submission).

Conditions:
LPIN1-related disorder. Also called: LPIN1-related condition.

Allele frequency attached by ClinVar (database versions not stated): ExAC 0.00045; 1000 Genomes Project 0.00080; 1000 Genomes Project 30x 0.00094; gnomAD 0.00168; TOPMed 0.00182.
gnomAD v4.1: 463 of 1,472,014 alleles (0.031%); highest among the groups gnomAD compares: African/African-American, 0.57%; no homozygotes.

Submission:

PreventionGenetics, part of Exact Sciences
Classification: Likely benign for LPIN1-related condition. Last evaluated: 2024-01-24. Review status: no assertion criteria provided. Collection method: clinical testing. Allele origin: germline.
Comment: This variant is classified as likely benign based on ACMG/AMP sequence variant interpretation guidelines (Richards et al. 2015 PMID: 25741868, with internal and published modifications).